The following is an entry in ClinVar:

ClinVar aggregate classification (germline): Conflicting classifications of pathogenicity. Review status: criteria provided, conflicting classifications (1 of 4 stars). 3 submissions from 3 submitters: Uncertain significance (2); Likely benign (1). Last evaluated 2024-11-05.

Conditions:
Retinitis pigmentosa (RP). Identifiers: Orphanet 791, MedGen C0035334, MeSH D012174, MONDO:0019200, OMIM 268000. Inheritance: Autosomal dominant, autosomal recessive and X linked inheritance.

Allele frequency attached by ClinVar (database versions not stated): gnomAD exomes below 0.00001; ExAC 0.00001; gnomAD 0.00001; 1000 Genomes Project 30x 0.00016; 1000 Genomes Project 0.00020.
gnomAD v4.1: 8 of 1,614,064 alleles (0.0005%); highest among the groups gnomAD compares: African/African-American, 0.004%; no homozygotes.

Submissions (3):

Labcorp Genetics (formerly Invitae), Labcorp
Classification: Uncertain significance. Last evaluated: 2024-11-05. Review status: criteria provided, single submitter. Criteria: Invitae Variant Classification Sherloc (09022015). Collection method: clinical testing. Allele origin: germline.
Comment: This sequence change falls in intron 26 of the CNGB1 gene. It does not directly change the encoded amino acid sequence of the CNGB1 protein. It affects a nucleotide within the consensus splice site. This variant is present in population databases (rs202096769, gnomAD 0.007%). This variant has not been reported in the literature in individuals affected with CNGB1-related conditions. ClinVar contains an entry for this variant (Variation ID: 320074). Variants that disrupt the consensus splice site are a relatively common cause of aberrant splicing (PMID: 17576681, 9536098). Algorithms developed to predict the effect of sequence changes on RNA splicing suggest that this variant is not likely to affect RNA splicing. In summary, the available evidence is currently insufficient to determine the role of this variant in disease. Therefore, it has been classified as a Variant of Uncertain Significance.

Blueprint Genetics
Classification: Likely benign. Last evaluated: 2023-11-23. Review status: criteria provided, single submitter. Criteria: ACMG Guidelines, 2015. Collection method: clinical testing. Allele origin: germline.

Illumina Laboratory Services, Illumina
Classification: Uncertain significance for Retinitis pigmentosa. Last evaluated: 2018-01-13. Review status: criteria provided, single submitter. Criteria: ICSL Variant Classification Criteria 13 December 2019. Collection method: clinical testing. Allele origin: germline.

Literature cited by the submitters: PubMed 17576681 (cited by Labcorp Genetics (formerly Invitae), Labcorp); PubMed 9536098 (cited by Labcorp Genetics (formerly Invitae), Labcorp).

NM_001297.5(CNGB1):c.2634+4T>C

Gene: CNGB1 (cyclic nucleotide gated channel subunit beta 1; minus strand). Cytogenetic location: 16q21.
Variant type: single nucleotide variant.
Coding change: c.2634+4T>C on transcript NM_001297.5 (MANE Select); 4 bases into the intron after coding-DNA position 2634, T replaced by C.
Molecular consequence: intron variant.
Genome position (GRCh38, 1-based): chr16:57,904,730, A>G on the plus strand (T>C on the coding strand, the complement: CNGB1 is on the minus strand). VCF-style: chr16-57904730-A-G. GRCh37 (hg19) VCF-style: chr16-57938634-A-G.
Other names: c.2616+4T>C (NM_001286130.2).
Identifiers: ClinVar variation 320074 (VCV000320074.13), dbSNP rs202096769, ClinGen allele CA8082910.